The following is an entry in ClinVar:

ClinVar aggregate classification (germline): Uncertain significance (1 of 4 stars; one submission).

Conditions:
Melnick-Needles syndrome (MNS). Also called: MELNICK-NEEDLES OSTEODYSPLASTY; Melnick-Needles Syndrome (FLNA-MNS); OSTEODYSPLASTY OF MELNICK AND NEEDLES. Identifiers: Orphanet 2484, MedGen C0025237, MONDO:0010650, OMIM 309350.
Frontometaphyseal dysplasia (FMD1). Identifiers: Orphanet 1826, MedGen C0265293, MONDO:0015942.
Heterotopia, periventricular, X-linked dominant (PVNH1). Also called: PERIVENTRICULAR NODULAR HETEROTOPIA 1; X-linked periventricular heterotopia; PERIVENTRICULAR NODULAR HETEROTOPIA 4; HETEROTOPIA, PERIVENTRICULAR, 1. Identifiers: Orphanet 2149, Orphanet 82004, MedGen C1848213, MONDO:0010233, OMIM 300049.
Oto-palato-digital syndrome, type II (OPD2). Also called: FACIOPALATOOSSEOUS SYNDROME; Otopalatodigital Syndrome Type 2 (FLNA-OPD2); OPD II SYNDROME; Otopalatodigital Syndrome, Type II. Identifiers: Orphanet 669, Orphanet 90652, MedGen C1844696, MONDO:0010571, OMIM 304120.

Submission:

Labcorp Genetics (formerly Invitae), Labcorp
Classification: Uncertain significance for Oto-palato-digital syndrome, type II; Heterotopia, periventricular, X-linked dominant; Frontometaphyseal dysplasia; Melnick-Needles syndrome. Last evaluated: 2021-11-06. Review status: criteria provided, single submitter. Criteria: Invitae Variant Classification Sherloc (09022015). Collection method: clinical testing. Allele origin: germline.
Comment: This sequence change replaces phenylalanine, which is neutral and non-polar, with valine, which is neutral and non-polar, at codon 1345 of the FLNA protein (p.Phe1345Val). This variant is not present in population databases (gnomAD no frequency). This variant has not been reported in the literature in individuals affected with FLNA-related conditions. Algorithms developed to predict the effect of missense changes on protein structure and function (SIFT, PolyPhen-2, Align-GVGD) all suggest that this variant is likely to be disruptive. In summary, the available evidence is currently insufficient to determine the role of this variant in disease. Therefore, it has been classified as a Variant of Uncertain Significance.

NM_001110556.2(FLNA):c.4033T>G (p.Phe1345Val)

Gene: FLNA (filamin A; minus strand). Cytogenetic location: Xq28.
Variant type: single nucleotide variant.
Coding change: c.4033T>G on transcript NM_001110556.2 (MANE Select); coding-DNA position 4033, T replaced by G.
Protein change: p.Phe1345Val; replaces phenylalanine 1345 with valine.
Molecular consequence: missense variant.
Genome position (GRCh38, 1-based): chrX:154,359,593, A>C on the plus strand (T>G on the coding strand, the complement: FLNA is on the minus strand). VCF-style: chrX-154359593-A-C. GRCh37 (hg19) VCF-style: chrX-153587961-A-C.
Other names: c.4033T>G, p.Phe1345Val (NM_001456.4); short protein forms F1345V.
Identifiers: ClinVar variation 1421185 (VCV001421185.6), dbSNP rs2148111513, ClinGen allele CA415220367.